The following is an entry in ClinVar:

NM_018489.3(ASH1L):c.6104-3C>G

Gene: ASH1L (ASH1 like histone lysine methyltransferase; minus strand). Cytogenetic location: 1q22.
Variant type: single nucleotide variant.
Coding change: c.6104-3C>G on transcript NM_018489.3 (MANE Select); 3 bases into the intron before coding-DNA position 6104, C replaced by G.
Molecular consequence: intron variant. On other transcripts: nonsense (1).
Genome position (GRCh38, 1-based): chr1:155,380,119, G>C on the plus strand (C>G on the coding strand, the complement: ASH1L is on the minus strand). VCF-style: chr1-155380119-G-C. GRCh37 (hg19) VCF-style: chr1-155349910-G-C.
Other names: c.6116C>G, p.Ser2039Ter (NM_001366177.2); short protein forms S2039*.
Identifiers: ClinVar variation 1028602 (VCV001028602.1), dbSNP rs1656806167, ClinGen allele CA342758181.

ClinVar aggregate classification (germline): Uncertain significance (1 of 4 stars; one submission).

Conditions:
Intellectual developmental disorder, autosomal dominant 52. Also called: Mental retardation, autosomal dominant 52; Intellectual disability, autosomal dominant 52. Identifiers: MedGen C4540478, MONDO:0030918, OMIM 617796.

Submission:

Baylor Genetics
Classification: Uncertain significance for Intellectual developmental disorder, autosomal dominant 52. Last evaluated: 2019-05-08. Review status: criteria provided, single submitter. Criteria: ACMG Guidelines, 2015. Collection method: clinical testing. Allele origin: paternal. Affected: yes.
Comment: This variant was determined to be of uncertain significance according to ACMG Guidelines, 2015 [PMID:25741868].